The following is an entry in ClinVar:

NM_004281.4(BAG3):c.1225A>C (p.Lys409Gln)

Gene: BAG3 (BAG cochaperone 3; plus strand). Cytogenetic location: 10q26.11.
Variant type: single nucleotide variant.
Coding change: c.1225A>C on transcript NM_004281.4 (MANE Select); coding-DNA position 1225, A replaced by C.
Protein change: p.Lys409Gln; replaces lysine 409 with glutamine.
Molecular consequence: missense variant.
Genome position (GRCh38, 1-based): chr10:119,676,779, A>C. VCF-style: chr10-119676779-A-C. GRCh37 (hg19) VCF-style: chr10-121436291-A-C.
Other names: short protein forms K409Q.
Identifiers: ClinVar variation 1722024 (VCV001722024.5), dbSNP rs2494023395, ClinGen allele CA378296867.
Genomic context (GRCh38, chr10:119,676,779, plus strand): 5'-AGTGTGGCTACAGAAGAGAGGGCAGCCCCCAGCACTGCCCCTGCAGAAGCTACACCTCCA[A>C]AACCAGGAGAAGCCGAGGCTCCCCCAAAACATCCAGGAGTGCTGAAAGTGGAAGCCATCC-3'
Protein context (NP_004272.2, residues 399-419): STAPAEATPP[Lys409Gln]PGEAEAPPKH

ClinVar aggregate classification (germline): Uncertain significance (1 of 4 stars; one submission).

Conditions:
Dilated cardiomyopathy 1HH (CMD1HH). Identifiers: Orphanet 154, MedGen C3151293, MONDO:0013479, OMIM 613881.
Myofibrillar myopathy 6. Identifiers: Orphanet 199340, MedGen C2751831, MONDO:0013061, OMIM 612954.

Submission:

Labcorp Genetics (formerly Invitae), Labcorp
Classification: Uncertain significance for Dilated cardiomyopathy 1HH; Myofibrillar myopathy 6. Last evaluated: 2022-10-21. Review status: criteria provided, single submitter. Criteria: Invitae Variant Classification Sherloc (09022015). Collection method: clinical testing. Allele origin: germline.
Comment: In summary, the available evidence is currently insufficient to determine the role of this variant in disease. Therefore, it has been classified as a Variant of Uncertain Significance. Advanced modeling of protein sequence and biophysical properties (such as structural, functional, and spatial information, amino acid conservation, physicochemical variation, residue mobility, and thermodynamic stability) performed at Invitae indicates that this missense variant is not expected to disrupt BAG3 protein function. This variant has not been reported in the literature in individuals affected with BAG3-related conditions. This variant is not present in population databases (gnomAD no frequency). This sequence change replaces lysine, which is basic and polar, with glutamine, which is neutral and polar, at codon 409 of the BAG3 protein (p.Lys409Gln).